The following is an entry in ClinVar:

NM_000395.3(CSF2RB):c.2258dup (p.Gly754fs)

Gene: CSF2RB (colony stimulating factor 2 receptor subunit beta; plus strand). Cytogenetic location: 22q12.3.
Variant type: Duplication.
Coding change: c.2258dup on transcript NM_000395.3 (MANE Select); coding-DNA position 2258, one base duplicated (C; older notation c.2258dupC).
Protein change: p.Gly754fs; shifts the reading frame from glycine 754.
Molecular consequence: frameshift variant.
Genome position (GRCh38, 1-based): chr22:36,938,066, C duplicated; the last of 5 consecutive C bases (chr22:36,938,062-36,938,066); duplicating any one gives the same sequence. VCF-style (leftmost placement, unchanged base first): chr22-36938061-A-AC. GRCh37 (hg19) VCF-style: chr22-37334103-A-AC.
Other names: c.2276dup, p.Gly760fs (NM_001410827.1); short protein forms G754fs, G760fs.
Identifiers: ClinVar variation 4718903 (VCV004718903.1).
Genomic context (GRCh38, chr22:36,938,061, plus strand): 5'-TCCCTCTCTGGGCCTCCCCTCAGACCAGACCCCCAGCTTATGTCCTGGGCTGGCCAGTGG[A>AC]CCCCCTGGAGCCCCAGGCCCTGTGAAGTCAGGGTTTGAGGGCTATGTGGAGCTCCCTCCA-3'

ClinVar aggregate classification (germline): Uncertain significance (1 of 4 stars; one submission).

Submission:

Labcorp Genetics (formerly Invitae), Labcorp
Classification: Uncertain significance. Last evaluated: 2025-05-05. Review status: criteria provided, single submitter. Criteria: Invitae Variant Classification Sherloc (09022015). Collection method: clinical testing. Allele origin: germline.
Comment: This sequence change creates a premature translational stop signal (p.Gly754Trpfs*11) in the CSF2RB gene. While this is not anticipated to result in nonsense mediated decay, it is expected to disrupt the last 144 amino acid(s) of the CSF2RB protein. This variant is present in population databases (no rsID available, gnomAD 0.006%). This variant has not been reported in the literature in individuals affected with CSF2RB-related conditions. Experimental studies and prediction algorithms are not available or were not evaluated, and the functional significance of this variant is currently unknown. In summary, the available evidence is currently insufficient to determine the role of this variant in disease. Therefore, it has been classified as a Variant of Uncertain Significance.